The following is an entry in ClinVar:

ClinVar aggregate classification (germline): Uncertain significance (1 of 4 stars; one submission).

Conditions:
Beckwith-Wiedemann syndrome (BWS). Also called: Exomphalos macroglossia gigantism syndrome; EMG SYNDROME. Identifiers: Orphanet 116, MedGen C0004903, MONDO:0007534, OMIM 130650.

Allele frequency attached by ClinVar (database versions not stated): gnomAD exomes below 0.00001.

Submission:

Labcorp Genetics (formerly Invitae), Labcorp
Classification: Uncertain significance for Beckwith-Wiedemann syndrome. Last evaluated: 2025-06-09. Review status: criteria provided, single submitter. Criteria: Invitae Variant Classification Sherloc (09022015). Collection method: clinical testing. Allele origin: germline.
Comment: This sequence change replaces glutamine, which is neutral and polar, with arginine, which is basic and polar, at codon 58 of the CDKN1C protein (p.Gln58Arg). This variant is not present in population databases (gnomAD no frequency). This variant has not been reported in the literature in individuals affected with CDKN1C-related conditions. ClinVar contains an entry for this variant (Variation ID: 864623). Invitae Evidence Modeling of protein sequence and biophysical properties (such as structural, functional, and spatial information, amino acid conservation, physicochemical variation, residue mobility, and thermodynamic stability) indicates that this missense variant is not expected to disrupt CDKN1C protein function with a negative predictive value of 80%. In summary, the available evidence is currently insufficient to determine the role of this variant in disease. Therefore, it has been classified as a Variant of Uncertain Significance.

NM_001122630.2(CDKN1C):c.140A>G (p.Gln47Arg)

Gene: CDKN1C (cyclin dependent kinase inhibitor 1C; minus strand). Cytogenetic location: 11p15.4.
Variant type: single nucleotide variant.
Coding change: c.140A>G on transcript NM_001122630.2 (MANE Select); coding-DNA position 140, A replaced by G.
Protein change: p.Gln47Arg; replaces glutamine 47 with arginine.
Molecular consequence: missense variant.
Genome position (GRCh38, 1-based): chr11:2,885,317, T>C on the plus strand (A>G on the coding strand, the complement: CDKN1C is on the minus strand). VCF-style: chr11-2885317-T-C. GRCh37 (hg19) VCF-style: chr11-2906547-T-C.
Other names: c.173A>G, p.Gln58Arg (NM_000076.2, NM_001362474.2); c.140A>G, p.Gln47Arg (NM_001122631.2, NM_001362475.2); short protein forms Q58R, Q47R.
Identifiers: ClinVar variation 864623 (VCV000864623.7), dbSNP rs1848974498, ClinGen allele CA379147516.